The following is an entry in ClinVar:

NM_024312.5(GNPTAB):c.1833_1836del (p.His612fs)

Gene: GNPTAB (N-acetylglucosamine-1-phosphate transferase subunits alpha and beta; minus strand). Cytogenetic location: 12q23.2.
Variant type: Deletion.
Coding change: c.1833_1836del on transcript NM_024312.5 (MANE Select); coding-DNA positions 1833 to 1836, 4 bases deleted (ACAT; older notation c.1833_1836delACAT).
Protein change: p.His612fs; shifts the reading frame from histidine 612.
Molecular consequence: frameshift variant.
Genome position (GRCh38, 1-based): chr12:101,765,081-101,765,084, ATGT deleted on the plus strand (ACAT on the coding strand, the reverse complement: GNPTAB is on the minus strand); deleting any 4 consecutive bases within chr12:101,765,081-101,765,086 gives the same sequence; the c. name uses the placement nearest the transcript's 3' end. VCF-style (leftmost placement, unchanged base first): chr12-101765080-AATGT-A. GRCh37 (hg19) VCF-style: chr12-102158858-AATGT-A.
Other names: short protein forms H612fs.
Identifiers: ClinVar variation 4068853 (VCV004068853.3).

ClinVar aggregate classification (germline): Likely pathogenic. Review status: criteria provided, multiple submitters, no conflicts (2 of 4 stars). 2 submissions from 2 submitters: Likely pathogenic (2). Last evaluated 2025-06-02.

Conditions:
Mucolipidosis type II. Also called: ML II ALPHA/BETA; Mucolipidosis 2; ML 2; Inclusion cell disease; Leroy Disease; N-acetylglucosamine 1phosphotransferase deficiency. Identifiers: Orphanet 576, MedGen C2673377, MONDO:0009650, OMIM 252500.
GNPTAB-Related Disorders. Also called: GNPTAB-related disorder; GNPTAB-related condition. Identifiers: MedGen CN381523.

Submissions (2):

Rady Children's Institute for Genomic Medicine, Rady Children's Hospital San Diego
Classification: Likely pathogenic for GNPTAB-related disorders. Last evaluated: 2025-06-02. Review status: criteria provided, single submitter. Criteria: ACMG Guidelines, 2015. Collection method: clinical testing. Allele origin: germline. Affected: yes.
Comment: This frameshifting variant in exon 13 of 21 is predicted to result in loss of normal protein function through either protein truncation or nonsense-mediated mRNA decay. Loss-of-function variation in GNPTAB is an established mechanism of disease (PMID: 32651481). This variant has not been previously reported or functionally characterized in the literature to our knowledge. The c.1833_1836del (p.His612LeufsTer17) variant is absent from the latest version of the gnomAD population database and thus is presumed to be rare. Based on the available evidence, c.1833_1836del (p.His612LeufsTer17) is classified as Likely Pathogenic.

Natera, Inc.
Classification: Likely pathogenic for Mucolipidosis type II. Last evaluated: 2025-02-18. Review status: criteria provided, single submitter. Criteria: Natera Variant Classification Schema (03/2026). Collection method: clinical testing. Allele origin: germline.
Comment: The c.1833_1836del variant in GNPTAB is a frameshift variant predicted to shift the reading frame beginning at codon 612 and leads to a stop codon 17 codons downstream. This variant is expected to result in nonsense mediated decay, truncation, or a dysfunctional protein product. This variant is rare in the general population with a frequency below the threshold expected for the associated phenotype(s). Given the available evidence, this variant is classified as Likely Pathogenic.

Literature cited by the submitters: PubMed 32651481 (cited by Rady Children's Institute for Genomic Medicine, Rady Children's Hospital San Diego).